The following is an entry in ClinVar:

ClinVar aggregate classification (germline): Uncertain significance (1 of 4 stars; one submission).

Conditions:
Progressive myoclonic epilepsy type 7. Identifiers: Orphanet 435438, MedGen C4015420, MONDO:0014521, OMIM 616187.

Allele frequency attached by ClinVar (database versions not stated): gnomAD 0.00001; gnomAD exomes 0.00001; TOPMed 0.00001; ExAC 0.00002.
gnomAD v4.1: 16 of 1,614,066 alleles (0.00099%); highest among the groups gnomAD compares: South Asian, 0.0033%; no homozygotes.

Submission:

Labcorp Genetics (formerly Invitae), Labcorp
Classification: Uncertain significance for Progressive myoclonic epilepsy type 7. Last evaluated: 2025-07-23. Review status: criteria provided, single submitter. Criteria: Invitae Variant Classification Sherloc (09022015). Collection method: clinical testing. Allele origin: germline.
Comment: This sequence change replaces glycine, which is neutral and non-polar, with serine, which is neutral and polar, at codon 297 of the KCNC1 protein (p.Gly297Ser). This variant is present in population databases (rs781542866, gnomAD 0.002%). This missense change has been observed in individual(s) with autism spectrum disorder (PMID: 25363768, 28714951). This variant is also known as 11:17793530G>A. ClinVar contains an entry for this variant (Variation ID: 1420827). Invitae Evidence Modeling of protein sequence and biophysical properties (such as structural, functional, and spatial information, amino acid conservation, physicochemical variation, residue mobility, and thermodynamic stability) indicates that this missense variant is not expected to disrupt KCNC1 protein function with a negative predictive value of 80%. In summary, the available evidence is currently insufficient to determine the role of this variant in disease. Therefore, it has been classified as a Variant of Uncertain Significance.

Literature cited by the submitters: PubMed 25363768; PubMed 28714951.

NM_001112741.2(KCNC1):c.889G>A (p.Gly297Ser)

Gene: KCNC1 (potassium voltage-gated channel subfamily C member 1; plus strand). Cytogenetic location: 11p15.1.
Variant type: single nucleotide variant.
Coding change: c.889G>A on transcript NM_001112741.2 (MANE Select); coding-DNA position 889, G replaced by A.
Protein change: p.Gly297Ser; replaces glycine 297 with serine.
Molecular consequence: missense variant.
Genome position (GRCh38, 1-based): chr11:17,771,983, G>A. VCF-style: chr11-17771983-G-A. GRCh37 (hg19) VCF-style: chr11-17793530-G-A.
Other names: c.889G>A, p.Gly297Ser (NM_004976.4); short protein forms G297S.
Identifiers: ClinVar variation 1420827 (VCV001420827.6), dbSNP rs781542866, ClinGen allele CA5906746.